The following is an entry in ClinVar:

ClinVar aggregate classification (germline): Uncertain significance. Review status: criteria provided, multiple submitters, no conflicts (2 of 4 stars). 2 submissions from 2 submitters: Uncertain significance (2). Last evaluated 2025-09-14.

Conditions:
Hereditary cancer-predisposing syndrome. Also called: Neoplastic Syndromes, Hereditary; Hereditary Cancer Syndrome; Tumor predisposition; Hereditary neoplastic syndrome. Identifiers: Orphanet 140162, MedGen C0027672, MeSH D009386, MONDO:0015356.

Submissions (2):

Ambry Genetics
Classification: Uncertain significance for Hereditary cancer-predisposing syndrome. Last evaluated: 2025-09-14. Review status: criteria provided, single submitter. Criteria: Ambry Variant Classification Scheme 2023. Collection method: clinical testing. Allele origin: germline.
Comment: The p.D707E variant (also known as c.2121C>A), located in coding exon 14 of the CTNNA1 gene, results from a C to A substitution at nucleotide position 2121. The aspartic acid at codon 707 is replaced by glutamic acid, an amino acid with highly similar properties. This amino acid position is conserved. In addition, this alteration is predicted to be tolerated by in silico analysis. Based on the available evidence, the clinical significance of this variant remains unclear.

Labcorp Genetics (formerly Invitae), Labcorp
Classification: Uncertain significance. Last evaluated: 2021-08-15. Review status: criteria provided, single submitter. Criteria: Invitae Variant Classification Sherloc (09022015). Collection method: clinical testing. Allele origin: germline.
Comment: This sequence change replaces aspartic acid with glutamic acid at codon 707 of the CTNNA1 protein (p.Asp707Glu). The aspartic acid residue is highly conserved and there is a small physicochemical difference between aspartic acid and glutamic acid. This variant is not present in population databases (ExAC no frequency). This variant has not been reported in the literature in individuals affected with CTNNA1-related conditions. Algorithms developed to predict the effect of missense changes on protein structure and function are either unavailable or do not agree on the potential impact of this missense change (SIFT: "Deleterious"; PolyPhen-2: "Benign"; Align-GVGD: "Class C0"). In summary, the available evidence is currently insufficient to determine the role of this variant in disease. Therefore, it has been classified as a Variant of Uncertain Significance.

NM_001903.5(CTNNA1):c.2121C>A (p.Asp707Glu)

Gene: CTNNA1 (catenin alpha 1; plus strand). Cytogenetic location: 5q31.2.
Variant type: single nucleotide variant.
Coding change: c.2121C>A on transcript NM_001903.5 (MANE Select); coding-DNA position 2121, C replaced by A.
Protein change: p.Asp707Glu; replaces aspartic acid 707 with glutamic acid.
Molecular consequence: missense variant.
Genome position (GRCh38, 1-based): chr5:138,930,583, C>A. VCF-style: chr5-138930583-C-A. GRCh37 (hg19) VCF-style: chr5-138266272-C-A.
Other names: c.2121C>A, p.Asp707Glu (NM_001290307.3, NM_001323982.2, NM_001323983.1 and 2 more transcripts); c.1812C>A, p.Asp604Glu (NM_001290309.3); c.1752C>A, p.Asp584Glu (NM_001290310.3); c.1011C>A, p.Asp337Glu (NM_001290312.1, NM_001323987.1, NM_001323988.1 and 17 more transcripts); c.2028C>A, p.Asp676Glu (NM_001323986.2); c.672C>A, p.Asp224Glu (NM_001324006.1, NM_001324007.1, NM_001324008.1 and 2 more transcripts); c.918C>A, p.Asp306Glu (NM_001324011.1); c.768C>A, p.Asp256Glu (NM_001324012.1, NM_001324013.1); and 1 more; short protein forms D604E, D224E, D256E, D306E, D584E, D707E, D337E, D676E.
Identifiers: ClinVar variation 1375239 (VCV001375239.7), dbSNP rs988527134, ClinGen allele CA361133553.